The following is an entry in ClinVar:

ClinVar aggregate classification (germline): Uncertain significance. Review status: criteria provided, multiple submitters, no conflicts (2 of 4 stars). 3 submissions from 3 submitters: Uncertain significance (3). Last evaluated 2025-07-16.

Conditions:
Inborn genetic diseases. Identifiers: MedGen C0950123, MeSH D030342.

Allele frequency attached by ClinVar (database versions not stated): gnomAD exomes 0.00004; ExAC 0.00003; TOPMed 0.00005; gnomAD 0.00003.

Submissions (3):

Mayo Clinic Laboratories, Mayo Clinic
Classification: Uncertain significance. Last evaluated: 2025-07-16. Review status: criteria provided, single submitter. Criteria: ACMG Guidelines, 2015. Collection method: clinical testing. Allele origin: germline. Observed: 1 variant allele.
Comment: BP4_moderate

Ambry Genetics
Classification: Uncertain significance for Inborn genetic diseases. Last evaluated: 2024-06-18. Review status: criteria provided, single submitter. Criteria: Ambry Variant Classification Scheme 2023. Collection method: clinical testing. Allele origin: germline.

Labcorp Genetics (formerly Invitae), Labcorp
Classification: Uncertain significance. Last evaluated: 2022-08-10. Review status: criteria provided, single submitter. Criteria: Invitae Variant Classification Sherloc (09022015). Collection method: clinical testing. Allele origin: germline.
Comment: This sequence change replaces aspartic acid, which is acidic and polar, with valine, which is neutral and non-polar, at codon 1589 of the SPEG protein (p.Asp1589Val). This variant is present in population databases (rs200647535, gnomAD 0.008%). This variant has not been reported in the literature in individuals affected with SPEG-related conditions. Algorithms developed to predict the effect of missense changes on protein structure and function are either unavailable or do not agree on the potential impact of this missense change (SIFT: "Deleterious"; PolyPhen-2: "Benign"; Align-GVGD: "Class C0"). In summary, the available evidence is currently insufficient to determine the role of this variant in disease. Therefore, it has been classified as a Variant of Uncertain Significance.

NM_005876.5(SPEG):c.4766A>T (p.Asp1589Val)

Gene: SPEG (striated muscle enriched protein kinase; plus strand). Cytogenetic location: 2q35.
Variant type: single nucleotide variant.
Coding change: c.4766A>T on transcript NM_005876.5 (MANE Select); coding-DNA position 4766, A replaced by T.
Protein change: p.Asp1589Val; replaces aspartic acid 1589 with valine.
Molecular consequence: missense variant.
Genome position (GRCh38, 1-based): chr2:219,477,725, A>T. VCF-style: chr2-219477725-A-T. GRCh37 (hg19) VCF-style: chr2-220342447-A-T.
Other names: p.Asp1589Val; c.4766A>T (NM_005876.4); short protein forms D1589V.
Identifiers: ClinVar variation 2173046 (VCV002173046.3), dbSNP rs200647535, ClinGen allele CA2126622.